The following is an entry in ClinVar:

NM_152347.5(EFCAB13):c.98C>T (p.Thr33Ile)

Gene: EFCAB13 (EF-hand calcium binding domain 13; plus strand). Cytogenetic location: 17q21.32.
Variant type: single nucleotide variant.
Coding change: c.98C>T on transcript NM_152347.5 (MANE Select); coding-DNA position 98, C replaced by T.
Protein change: p.Thr33Ile; replaces threonine 33 with isoleucine.
Molecular consequence: missense variant.
Genome position (GRCh38, 1-based): chr17:47,335,263, C>T. VCF-style: chr17-47335263-C-T. GRCh37 (hg19) VCF-style: chr17-45412629-C-T.
Other names: c.98C>T, p.Thr33Ile (NM_001195192.2, NM_001426585.1, NM_001426586.1 and 7 more transcripts); short protein forms T33I.
Identifiers: ClinVar variation 3050458 (VCV003050458.2), dbSNP rs34134208, ClinGen allele CA8623583.

ClinVar aggregate classification (germline): Benign (0 of 4 stars; one submission).

Conditions:
EFCAB13-related disorder. Also called: EFCAB13-related condition.

Allele frequency attached by ClinVar (database versions not stated): 1000 Genomes Project 30x 0.00625; 1000 Genomes Project 0.00699; ExAC 0.00858; gnomAD 0.00879; TOPMed 0.00895; ESP Exome Variant Server 0.01030; gnomAD exomes 0.01207.
gnomAD v4.1: 18,861 of 1,611,064 alleles (1.2%); highest among the groups gnomAD compares: Non-Finnish European, 1.4%; 144 homozygotes.

Submission:

PreventionGenetics, part of Exact Sciences
Classification: Benign for EFCAB13-related condition. Last evaluated: 2019-02-20. Review status: no assertion criteria provided. Collection method: clinical testing. Allele origin: germline.
Comment: This variant is classified as benign based on ACMG/AMP sequence variant interpretation guidelines (Richards et al. 2015 PMID: 25741868, with internal and published modifications).